The following is an entry in ClinVar:

NM_017514.5(PLXNA3):c.575G>T (p.Ser192Ile)

Gene: PLXNA3 (plexin A3; plus strand). Cytogenetic location: Xq28.
Variant type: single nucleotide variant.
Coding change: c.575G>T on transcript NM_017514.5 (MANE Select); coding-DNA position 575, G replaced by T.
Protein change: p.Ser192Ile; replaces serine 192 with isoleucine.
Molecular consequence: missense variant.
Genome position (GRCh38, 1-based): chrX:154,460,758, G>T. VCF-style: chrX-154460758-G-T. GRCh37 (hg19) VCF-style: chrX-153689098-G-T.
Other names: short protein forms S192I.
Identifiers: ClinVar variation 3348217 (VCV003348217.1).

ClinVar aggregate classification (germline): Uncertain significance (0 of 4 stars; one submission).

Conditions:
PLXNA3-related disorder. Also called: PLXNA3-related condition.

Submission:

PreventionGenetics, part of Exact Sciences
Classification: Uncertain significance for PLXNA3-related condition. Last evaluated: 2023-10-30. Review status: no assertion criteria provided. Collection method: clinical testing. Allele origin: germline.
Comment: The PLXNA3 c.575G>T variant is predicted to result in the amino acid substitution p.Ser192Ile. To our knowledge, this variant has not been reported in the literature or in a large population database, indicating this variant is rare. At this time, the clinical significance of this variant is uncertain due to the absence of conclusive functional and genetic evidence.